The following is an entry in ClinVar:

NM_001018115.3(FANCD2):c.377+1G>A

Genes: FANCD2 (FA complementation group D2; plus strand), LOC107303338 (3p25 FANCD2 Alu-mediated recombination region; plus strand). Cytogenetic location: 3p25.3.
Variant type: single nucleotide variant.
Coding change: c.377+1G>A on transcript NM_001018115.3 (MANE Select); the canonical splice donor site of the intron after coding-DNA position 377, G replaced by A.
Molecular consequence: splice donor variant.
Genome position (GRCh38, 1-based): chr3:10,034,799, G>A. VCF-style: chr3-10034799-G-A. GRCh37 (hg19) VCF-style: chr3-10076483-G-A.
Other names: c.377+1G>A (NM_001374255.1, NM_001319984.2, NM_001374253.1 and 2 more transcripts).
Identifiers: ClinVar variation 3653516 (VCV003653516.3).

ClinVar aggregate classification (germline): Likely pathogenic. Review status: criteria provided, multiple submitters, no conflicts (2 of 4 stars). 2 submissions from 2 submitters: Likely pathogenic (2). Last evaluated 2024-03-14.

Conditions:
FANCD2-related disorders.
Fanconi anemia (FA). Also called: Fanconi's anemia. Identifiers: Orphanet 84, MedGen C0015625, MeSH D005199, MONDO:0019391.

Submissions (2):

Labcorp Genetics (formerly Invitae), Labcorp
Classification: Likely pathogenic for Fanconi anemia. Last evaluated: 2024-03-14. Review status: criteria provided, single submitter. Criteria: Invitae Variant Classification Sherloc (09022015). Collection method: clinical testing. Allele origin: germline.
Comment: This sequence change affects a donor splice site in intron 5 of the FANCD2 gene. It is expected to disrupt RNA splicing. Variants that disrupt the donor or acceptor splice site typically lead to a loss of protein function (PMID: 16199547), and loss-of-function variants in FANCD2 are known to be pathogenic (PMID: 17436244). This variant is not present in population databases (gnomAD no frequency). This variant has not been reported in the literature in individuals affected with FANCD2-related conditions. Algorithms developed to predict the effect of sequence changes on RNA splicing suggest that this variant may disrupt the consensus splice site. In summary, the currently available evidence indicates that the variant is pathogenic, but additional data are needed to prove that conclusively. Therefore, this variant has been classified as Likely Pathogenic.

Blueprint Genetics
Classification: Likely pathogenic for FANCD2-related disorders. Last evaluated: 2023-08-25. Review status: criteria provided, single submitter. Criteria: ACMG Guidelines, 2015. Collection method: clinical testing. Allele origin: germline. Affected: yes. Observed: 1 variant allele.

Literature cited by the submitters: PubMed 16199547 (cited by Labcorp Genetics (formerly Invitae), Labcorp); PubMed 17436244 (cited by Labcorp Genetics (formerly Invitae), Labcorp).